The following is an entry in ClinVar:

NM_002834.5(PTPN11):c.1599+5C>T

Gene: PTPN11 (protein tyrosine phosphatase non-receptor type 11; plus strand). Cytogenetic location: 12q24.13.
Variant type: single nucleotide variant.
Coding change: c.1599+5C>T on transcript NM_002834.5 (MANE Select); 5 bases into the intron after coding-DNA position 1599, C replaced by T.
Molecular consequence: intron variant.
Genome position (GRCh38, 1-based): chr12:112,489,180, C>T. VCF-style: chr12-112489180-C-T. GRCh37 (hg19) VCF-style: chr12-112926984-C-T.
Other names: c.1611+5C>T (NM_001330437.2); c.1596+5C>T (NM_001374625.1).
Identifiers: ClinVar variation 1994158 (VCV001994158.4), dbSNP rs1263466088, ClinGen allele CA607377543.

ClinVar aggregate classification (germline): Uncertain significance (1 of 4 stars; one submission).

Conditions:
RASopathy. Also called: rasopathies; Noonan spectrum disorder. Identifiers: Orphanet 536391, MedGen C5555857, MONDO:0021060.

Allele frequency attached by ClinVar (database versions not stated): gnomAD exomes below 0.00001.
gnomAD v4.1: 3 of 1,614,138 alleles (0.00019%); highest among the groups gnomAD compares: Admixed American, 0.0017%; no homozygotes.

Submission:

Labcorp Genetics (formerly Invitae), Labcorp
Classification: Uncertain significance for RASopathy. Last evaluated: 2022-07-25. Review status: criteria provided, single submitter. Criteria: Invitae Variant Classification Sherloc (09022015). Collection method: clinical testing. Allele origin: germline.
Comment: This sequence change falls in intron 13 of the PTPN11 gene. It does not directly change the encoded amino acid sequence of the PTPN11 protein. It affects a nucleotide within the consensus splice site. This variant is present in population databases (no rsID available, gnomAD 0.003%). This variant has not been reported in the literature in individuals affected with PTPN11-related conditions. Variants that disrupt the consensus splice site are a relatively common cause of aberrant splicing (PMID: 17576681, 9536098). Algorithms developed to predict the effect of sequence changes on RNA splicing suggest that this variant is not likely to affect RNA splicing. In summary, the available evidence is currently insufficient to determine the role of this variant in disease. Therefore, it has been classified as a Variant of Uncertain Significance.

Literature cited by the submitters: PubMed 17576681; PubMed 9536098.